The following is an entry in ClinVar:

ClinVar aggregate classification (germline): Uncertain significance. Review status: criteria provided, multiple submitters, no conflicts (2 of 4 stars). 2 submissions from 2 submitters: Uncertain significance (2). Last evaluated 2024-03-25.

Conditions:
Inborn genetic diseases. Identifiers: MedGen C0950123, MeSH D030342.
Autosomal dominant Parkinson disease 8. Also called: LRRK2-Related Parkinson Disease; Parkinson disease 8; Parkinson disease 8, susceptibility to. Identifiers: Orphanet 411602, MedGen C1846862, MONDO:0011764, OMIM 607060.

Allele frequency attached by ClinVar (database versions not stated): gnomAD exomes below 0.00001.
gnomAD v4.1: 1 of 1,611,572 alleles (0.000062%); highest among the groups gnomAD compares: Non-Finnish European, 0.000085%; no homozygotes.

Submissions (2):

Ambry Genetics
Classification: Uncertain significance for Inborn genetic diseases. Last evaluated: 2024-03-25. Review status: criteria provided, single submitter. Criteria: Ambry Variant Classification Scheme 2023. Collection method: clinical testing. Allele origin: germline.
Comment: The p.C1770R variant (also known as c.5308T>C), located in coding exon 36 of the LRRK2 gene, results from a T to C substitution at nucleotide position 5308. The cysteine at codon 1770 is replaced by arginine, an amino acid with highly dissimilar properties. This amino acid position is conserved. In addition, the in silico prediction for this alteration is inconclusive. Since supporting evidence is limited at this time, the clinical significance of this alteration remains unclear.

Labcorp Genetics (formerly Invitae), Labcorp
Classification: Uncertain significance for Autosomal dominant Parkinson disease 8. Last evaluated: 2022-02-08. Review status: criteria provided, single submitter. Criteria: Invitae Variant Classification Sherloc (09022015). Collection method: clinical testing. Allele origin: germline.
Comment: In summary, the available evidence is currently insufficient to determine the role of this variant in disease. Therefore, it has been classified as a Variant of Uncertain Significance. Algorithms developed to predict the effect of missense changes on protein structure and function (SIFT, PolyPhen-2, Align-GVGD) all suggest that this variant is likely to be tolerated. This variant has not been reported in the literature in individuals affected with LRRK2-related conditions. This variant is not present in population databases (gnomAD no frequency). This sequence change replaces cysteine, which is neutral and slightly polar, with arginine, which is basic and polar, at codon 1770 of the LRRK2 protein (p.Cys1770Arg).

NM_198578.4(LRRK2):c.5308T>C (p.Cys1770Arg)

Gene: LRRK2 (leucine rich repeat kinase 2; plus strand). Cytogenetic location: 12q12.
Variant type: single nucleotide variant.
Coding change: c.5308T>C on transcript NM_198578.4 (MANE Select); coding-DNA position 5308, T replaced by C.
Protein change: p.Cys1770Arg; replaces cysteine 1770 with arginine.
Molecular consequence: missense variant.
Genome position (GRCh38, 1-based): chr12:40,322,172, T>C. VCF-style: chr12-40322172-T-C. GRCh37 (hg19) VCF-style: chr12-40715974-T-C.
Other names: short protein forms C1770R.
Identifiers: ClinVar variation 1746736 (VCV001746736.7), dbSNP rs138386040, ClinGen allele CA235363062.